The following is an entry in ClinVar:

NM_015450.3(POT1):c.1523G>A (p.Ser508Asn)

Gene: POT1 (protection of telomeres 1; minus strand). Cytogenetic location: 7q31.33.
Variant type: single nucleotide variant.
Coding change: c.1523G>A on transcript NM_015450.3 (MANE Select); coding-DNA position 1523, G replaced by A.
Protein change: p.Ser508Asn; replaces serine 508 with asparagine.
Molecular consequence: missense variant. On other transcripts: non-coding transcript variant (2).
Genome position (GRCh38, 1-based): chr7:124,829,325, C>T on the plus strand (G>A on the coding strand, the complement: POT1 is on the minus strand). VCF-style: chr7-124829325-C-T. GRCh37 (hg19) VCF-style: chr7-124469379-C-T.
Other names: c.1130G>A, p.Ser377Asn (NM_001042594.2); short protein forms S377N, S508N.
Identifiers: ClinVar variation 1019856 (VCV001019856.14), dbSNP rs144522387, ClinGen allele CA166095943.
Genomic context (GRCh38, chr7:124,829,325, plus strand): 5'-GAAGAAGGAATCCACGATGTTTTATCAACCAGGGAATTTAGATTTTGTATGGATCTCAAA[C>T]TAGAACACTGTTTACATCTGAAATTTATAAAAGAAAGAACCATAAATATTTAAAAATAAT-3'
Protein context (NP_056265.2, residues 498-518): IHHYGCKQCS[Ser508Asn]LRSIQNLNSL

ClinVar aggregate classification (germline): Conflicting classifications of pathogenicity. Review status: criteria provided, conflicting classifications (1 of 4 stars). 5 submissions from 5 submitters: Uncertain significance (4); Likely benign (1). Last evaluated 2025-11-26.

Conditions:
Hereditary cancer-predisposing syndrome. Also called: Tumor predisposition; Neoplastic Syndromes, Hereditary; Hereditary neoplastic syndrome; Hereditary Cancer Syndrome. Identifiers: Orphanet 140162, MedGen C0027672, MeSH D009386, MONDO:0015356.
Tumor predisposition syndrome 3 (TPDS3). Also called: Glioma susceptibility 9; LONG TELOMERE SYNDROME, POT1-RELATED; POT1 Tumor Predisposition; Melanoma, cutaneous malignant, susceptibility to, 10. Identifiers: Orphanet 618, MedGen C4014476, MONDO:0014368, OMIM 615848.

Allele frequency attached by ClinVar (database versions not stated): TOPMed 0.00001; gnomAD exomes 0.00001; ESP Exome Variant Server 0.00008.
gnomAD v4.1: 3 of 1,582,500 alleles (0.00019%); highest among the groups gnomAD compares: Non-Finnish European, 0.00026%; no homozygotes.

Submissions (5):

Labcorp Genetics (formerly Invitae), Labcorp
Classification: Uncertain significance for Tumor predisposition syndrome 3. Last evaluated: 2025-11-26. Review status: criteria provided, single submitter. Criteria: Invitae Variant Classification Sherloc (09022015). Collection method: clinical testing. Allele origin: germline.
Comment: This sequence change replaces serine, which is neutral and polar, with asparagine, which is neutral and polar, at codon 508 of the POT1 protein (p.Ser508Asn). This variant is present in population databases (rs144522387, gnomAD 0.002%). This variant has not been reported in the literature in individuals affected with POT1-related conditions. ClinVar contains an entry for this variant (Variation ID: 1019856). Invitae Evidence Modeling of protein sequence and biophysical properties (such as structural, functional, and spatial information, amino acid conservation, physicochemical variation, residue mobility, and thermodynamic stability) indicates that this missense variant is not expected to disrupt POT1 protein function with a negative predictive value of 80%. In summary, the available evidence is currently insufficient to determine the role of this variant in disease. Therefore, it has been classified as a Variant of Uncertain Significance.

Dasa
Classification: Uncertain significance. Last evaluated: 2025-04-16. Review status: criteria provided, single submitter. Criteria: DASA Assertion Criteria. Collection method: clinical testing. Allele origin: germline.
Comment: NM_015450.3(POT1):c.1523G>A (p.Ser508Asn) is a missense variant that results in the substitution of serine with asparagine. This variant is rare in population databases. Computational prediction algorithms are consistent with a benign effect. The currently available literature and clinical evidence are not sufficient to establish a definitive association between this variant and the reported condition. Therefore, this variant is classified as a variant of uncertain significance.

Quest Diagnostics Nichols Institute San Juan Capistrano
Classification: Uncertain significance. Last evaluated: 2023-05-02. Review status: criteria provided, single submitter. Criteria: Quest Diagnostics criteria. Collection method: clinical testing. Allele origin: unknown.
Comment: To the best of our knowledge, this variant has not been reported in the published literature. The frequency of this variant in the general population, 0.000012 (3/249614 chromosomes), is uninformative in assessment of its pathogenicity. Analysis of this variant using bioinformatics tools for the prediction of the effect of amino acid changes on protein structure and function yielded predictions that this variant is benign. Based on the available information, we are unable to determine the clinical significance of this variant.

GeneDx
Classification: Uncertain significance. Last evaluated: 2023-01-13. Review status: criteria provided, single submitter. Criteria: GeneDx Variant Classification Process June 2021. Collection method: clinical testing. Allele origin: germline. Affected: yes.
Comment: Not observed at significant frequency in large population cohorts (gnomAD); In silico analysis supports that this missense variant does not alter protein structure/function; Has not been previously published as pathogenic or benign to our knowledge; This variant is associated with the following publications: (PMID: 28393830)

Ambry Genetics
Classification: Likely benign for Hereditary cancer-predisposing syndrome. Last evaluated: 2022-01-28. Review status: criteria provided, single submitter. Criteria: Ambry Variant Classification Scheme 2023. Collection method: clinical testing. Allele origin: germline.